The following is an entry in ClinVar:

ClinVar aggregate classification (germline): Conflicting classifications of pathogenicity. Review status: criteria provided, conflicting classifications (1 of 4 stars). 8 submissions from 8 submitters: Uncertain significance (6); Likely benign (1). 1 of the submissions does not count toward it. Last evaluated 2026-01-13.

Conditions:
Hereditary cancer-predisposing syndrome. Also called: Neoplastic Syndromes, Hereditary; Hereditary Cancer Syndrome; Tumor predisposition; Hereditary neoplastic syndrome. Identifiers: Orphanet 140162, MedGen C0027672, MeSH D009386, MONDO:0015356.
Pheochromocytoma. Also called: MAX-Related Hereditary Paraganglioma-Pheochromocytoma Syndrome. Identifiers: Orphanet 29072, MedGen C0031511, MONDO:0008233, OMIM 171300, HP:0002666.
Familial medullary thyroid carcinoma (MTC). Also called: Thyroid cancer, familial medullary; MTC, familial; Familial Medullary Thyroid Carcinoma (FMTC). Identifiers: Orphanet 653, Orphanet 99361, MedGen C1833921, MONDO:0007958, OMIM 155240.
Multiple endocrine neoplasia type 2B. Also called: Multiple endocrine neoplasia, type 3; MULTIPLE ENDOCRINE NEOPLASIA, TYPE IIB; MUCOSAL NEUROMA SYNDROME; MEN 2B; Multiple Endocrine Neoplasia Type 2B (MEN2B); MEN IIB. Identifiers: Orphanet 247709, Orphanet 653, MedGen C0025269, MeSH D018814, MONDO:0008082, OMIM 162300.
Multiple endocrine neoplasia type 2A. Also called: MULTIPLE ENDOCRINE NEOPLASIA, TYPE IIA; PTC SYNDROME; SIPPLE SYNDROME; MEN 2A; MEN-2A syndrome; Pheochromocytoma and amyloid producing medullary thyroid carcinoma. Identifiers: Orphanet 247698, Orphanet 653, MedGen C0025268, MeSH D018813, MONDO:0008234, OMIM 171400.
Hirschsprung disease, susceptibility to, 1 (HSCR1). Also called: RET-Related Hirschsprung Disease. Identifiers: Orphanet 388, MedGen C3888239, MONDO:0007723, OMIM 142623.
Multiple endocrine neoplasia, type 2 (MEN2). Identifiers: Orphanet 653, MedGen C4048306, MONDO:0019003. Disease mechanism: gain of function.

Allele frequency attached by ClinVar (database versions not stated): gnomAD exomes below 0.00001 and 0.00001; ExAC 0.00001; gnomAD 0.00002 and 0.00004; TOPMed 0.00005.
gnomAD v4.1: 8 of 1,613,994 alleles (0.0005%); highest among the groups gnomAD compares: African/African-American, 0.0093%; no homozygotes.

Submissions (8):

Labcorp Genetics (formerly Invitae), Labcorp
Classification: Uncertain significance for Multiple endocrine neoplasia, type 2. Last evaluated: 2026-01-13. Review status: criteria provided, single submitter. Criteria: Invitae Variant Classification Sherloc (09022015). Collection method: clinical testing. Allele origin: germline.
Comment: This sequence change replaces proline, which is neutral and non-polar, with serine, which is neutral and polar, at codon 1067 of the RET protein (p.Pro1067Ser). This variant is present in population databases (rs775583354, gnomAD 0.02%). This missense change has been observed in individual(s) with unilateral renal agenesis (PMID: 18252215). ClinVar contains an entry for this variant (Variation ID: 543760). An algorithm developed to predict the effect of missense changes on protein structure and function (PolyPhen-2) suggests that this variant is likely to be disruptive. Experimental studies are conflicting or provide insufficient evidence to determine the effect of this variant on RET function (PMID: 16227613, 18252215). In summary, the available evidence is currently insufficient to determine the role of this variant in disease. Therefore, it has been classified as a Variant of Uncertain Significance.

Fulgent Genetics
Classification: Uncertain significance for Hirschsprung disease, susceptibility to, 1; Familial medullary thyroid carcinoma; Multiple endocrine neoplasia type 2B; Pheochromocytoma; Multiple endocrine neoplasia type 2A. Last evaluated: 2024-01-04. Review status: criteria provided, single submitter. Criteria: ACMG Guidelines, 2015. Collection method: clinical testing. Allele origin: germline.

GeneDx
Classification: Uncertain significance. Last evaluated: 2023-10-12. Review status: criteria provided, single submitter. Criteria: GeneDx Variant Classification Process June 2021. Collection method: clinical testing. Allele origin: germline.
Comment: Not observed at significant frequency in large population cohorts (gnomAD); In silico analysis supports that this missense variant does not alter protein structure/function; Observed in a stillborn fetus with unilateral renal agenesis (Skinner et al., 2008); Published functional studies are inconclusive: this variant appears to inactivate RET51 by preventing autophosphorylation in response to GDNF (Skinner et al., 2008); This variant is associated with the following publications: (PMID: 18252215, 24336963, 16227613)

All of Us Research Program, National Institutes of Health
Classification: Uncertain significance for Multiple endocrine neoplasia, type 2. Last evaluated: 2023-08-15. Review status: criteria provided, single submitter. Criteria: ACMG Guidelines, 2015. Collection method: clinical testing. Allele origin: germline. Inheritance: Autosomal dominant inheritance. Observed: 1 variant allele, 1 heterozygote.
Comment: This study involves interpretation of variants in research participants for the purpose of population health screening. Participant phenotype was not available at the time of variant classification. Additional details can be found in publication PMID: 35346344, PMCID: PMC8962531

Blueprint Genetics
Classification: Uncertain significance. Last evaluated: 2022-04-28. Review status: criteria provided, single submitter. Criteria: ACMG Guidelines, 2015. Collection method: clinical testing. Allele origin: germline.

Ambry Genetics
Classification: Likely benign for Hereditary cancer-predisposing syndrome. Last evaluated: 2022-04-15. Review status: criteria provided, single submitter. Criteria: Ambry Variant Classification Scheme 2023. Collection method: clinical testing. Allele origin: germline.

Revvity Omics, Revvity
Classification: Uncertain significance. Last evaluated: 2021-09-15. Review status: criteria provided, single submitter. Criteria: ACMG Guidelines, 2015. Collection method: clinical testing. Allele origin: germline.

Counsyl
Classification: Uncertain significance for Multiple endocrine neoplasia type 2A. Last evaluated: 2018-03-09. Review status: no assertion criteria provided. Collection method: clinical testing. Allele origin: unknown. Not counted in ClinVar's aggregate classification.

Literature cited by the submitters: PubMed 18252215 (cited by 3 submitters); PubMed 16227613 (cited by Labcorp Genetics (formerly Invitae), Labcorp and Ambry Genetics).

NM_020975.6(RET):c.3199C>T (p.Pro1067Ser)

Gene: RET (ret proto-oncogene; plus strand). Cytogenetic location: 10q11.21.
Variant type: single nucleotide variant.
Coding change: c.3199C>T on transcript NM_020975.6 (MANE Select); coding-DNA position 3199, C replaced by T.
Protein change: p.Pro1067Ser; replaces proline 1067 with serine.
Molecular consequence: missense variant.
Genome position (GRCh38, 1-based): chr10:43,128,123, C>T. VCF-style: chr10-43128123-C-T. GRCh37 (hg19) VCF-style: chr10-43623571-C-T.
Other names: c.3199C>T (LRG_518t1); short protein forms P1067S.
Identifiers: ClinVar variation 543760 (VCV000543760.24), dbSNP rs775583354, ClinGen allele CA054755.